The following is an entry in ClinVar:

ClinVar aggregate classification (germline): Uncertain significance (1 of 4 stars; one submission).

Submission:

Labcorp Genetics (formerly Invitae), Labcorp
Classification: Uncertain significance. Last evaluated: 2018-01-07. Review status: criteria provided, single submitter. Criteria: Invitae Variant Classification Sherloc (09022015). Collection method: clinical testing. Allele origin: germline.
Comment: Algorithms developed to predict the effect of missense changes on protein structure and function do not agree on the potential impact of this missense change (SIFT: "Tolerated"; PolyPhen-2: "Probably Damaging"; Align-GVGD: "Class C0"). This sequence change replaces glycine with alanine at codon 569 of the PLEKHM2 protein (p.Gly569Ala). The glycine residue is highly conserved and there is a small physicochemical difference between glycine and alanine. This variant is not present in population databases (ExAC no frequency). This variant has not been reported in the literature in individuals with PLEKHM2-related disease. In summary, the available evidence is currently insufficient to determine the role of this variant in disease. Therefore, it has been classified as a Variant of Uncertain Significance.

NM_015164.4(PLEKHM2):c.1706G>C (p.Gly569Ala)

Gene: PLEKHM2 (pleckstrin homology and RUN domain containing M2; plus strand). Cytogenetic location: 1p36.21.
Variant type: single nucleotide variant.
Coding change: c.1706G>C on transcript NM_015164.4 (MANE Select); coding-DNA position 1706, G replaced by C.
Protein change: p.Gly569Ala; replaces glycine 569 with alanine.
Molecular consequence: missense variant.
Genome position (GRCh38, 1-based): chr1:15,727,778, G>C. VCF-style: chr1-15727778-G-C. GRCh37 (hg19) VCF-style: chr1-16054273-G-C.
Other names: short protein forms G569A.
Identifiers: ClinVar variation 575591 (VCV000575591.8), dbSNP rs1557660418, ClinGen allele CA338588349.